The following is an entry in ClinVar:

NM_000038.6(APC):c.1840G>A (p.Ala614Thr)

Gene: APC (APC regulator of Wnt signaling pathway; plus strand). Cytogenetic location: 5q22.2.
Variant type: single nucleotide variant.
Coding change: c.1840G>A on transcript NM_000038.6 (MANE Select); coding-DNA position 1840, G replaced by A.
Protein change: p.Ala614Thr; replaces alanine 614 with threonine.
Molecular consequence: missense variant. On other transcripts: non-coding transcript variant (2).
Genome position (GRCh38, 1-based): chr5:112,835,047, G>A. VCF-style: chr5-112835047-G-A. GRCh37 (hg19) VCF-style: chr5-112170744-G-A.
Other names: c.1924G>A, p.Ala642Thr (NM_001407446.1); c.1894G>A, p.Ala632Thr (NM_001407447.1, NM_001407448.1, NM_001407449.1 and 1 more transcripts); c.1840G>A, p.Ala614Thr (NM_001407450.1, NM_001127510.3, NM_001354895.2); c.1819G>A, p.Ala607Thr (NM_001407451.1); c.1810G>A, p.Ala604Thr (NM_001407452.1); c.1663G>A, p.Ala555Thr (NM_001407453.1, NM_001354901.2); c.1591G>A, p.Ala531Thr (NM_001407454.1, NM_001407455.1, NM_001407456.1 and 1 more transcripts); c.1786G>A, p.Ala596Thr (NM_001127511.3); and 11 more; short protein forms A454T, A523T, A555T, A573T, A485T, A488T, A531T, A586T.
Identifiers: ClinVar variation 3304473 (VCV003304473.1).
Genomic context (GRCh38, chr5:112,835,047, plus strand): 5'-AATTTGTCAGCACATTGCACTGAGAATAAAGCTGATATATGTGCTGTAGATGGTGCACTT[G>A]CATTTTTGGTTGGCACTCTTACTTACCGGAGCCAGACAAACACTTTAGCCATTATTGAAA-3'
Protein context (NP_000029.2, residues 604-624): ADICAVDGAL[Ala614Thr]FLVGTLTYRS

ClinVar aggregate classification (germline): Uncertain significance (1 of 4 stars; one submission).

Conditions:
Hereditary cancer-predisposing syndrome. Also called: Tumor predisposition; Hereditary Cancer Syndrome; Hereditary neoplastic syndrome; Neoplastic Syndromes, Hereditary. Identifiers: Orphanet 140162, MedGen C0027672, MeSH D009386, MONDO:0015356.

Submission:

Ambry Genetics
Classification: Uncertain significance for Hereditary cancer-predisposing syndrome. Last evaluated: 2024-04-17. Review status: criteria provided, single submitter. Criteria: Ambry Variant Classification Scheme 2023. Collection method: clinical testing. Allele origin: germline.
Comment: The p.A614T variant (also known as c.1840G>A), located in coding exon 14 of the APC gene, results from a G to A substitution at nucleotide position 1840. The alanine at codon 614 is replaced by threonine, an amino acid with similar properties. This variant has been observed in at least one individual with a personal and/or family history that is consistent with APC-associated polyposis conditions (Ambry internal data). This amino acid position is highly conserved in available vertebrate species. In addition, in silico predictors for this gene do not accurately predict pathogenicity. Missense alterations in APC are not a common cause of disease (Spier I et al. Genet Med. 2024 Feb;26(2):100992). Based on the available evidence, the clinical significance of this variant remains unclear.